The following is an entry in ClinVar:

ClinVar aggregate classification (germline): Uncertain significance. Review status: criteria provided, multiple submitters, no conflicts (2 of 4 stars). 2 submissions from 2 submitters: Uncertain significance (2). Last evaluated 2023-12-21.

Conditions:
Inborn genetic diseases. Identifiers: MedGen C0950123, MeSH D030342.

Allele frequency attached by ClinVar (database versions not stated): gnomAD exomes below 0.00001; gnomAD 0.00001 and 0.00002; TOPMed 0.00005.

Submissions (2):

Ambry Genetics
Classification: Uncertain significance for Inborn genetic diseases. Last evaluated: 2023-12-21. Review status: criteria provided, single submitter. Criteria: Ambry Variant Classification Scheme 2023. Collection method: clinical testing. Allele origin: germline.

Labcorp Genetics (formerly Invitae), Labcorp
Classification: Uncertain significance. Last evaluated: 2022-08-19. Review status: criteria provided, single submitter. Criteria: Invitae Variant Classification Sherloc (09022015). Collection method: clinical testing. Allele origin: germline.
Comment: Algorithms developed to predict the effect of missense changes on protein structure and function (SIFT, PolyPhen-2, Align-GVGD) all suggest that this variant is likely to be tolerated. In summary, the available evidence is currently insufficient to determine the role of this variant in disease. Therefore, it has been classified as a Variant of Uncertain Significance. ClinVar contains an entry for this variant (Variation ID: 1383499). This variant has not been reported in the literature in individuals affected with TUFM-related conditions. This variant is not present in population databases (gnomAD no frequency). This sequence change replaces threonine, which is neutral and polar, with asparagine, which is neutral and polar, at codon 446 of the TUFM protein (p.Thr446Asn).

NM_003321.5(TUFM):c.1337C>A (p.Thr446Asn)

Gene: TUFM (Tu translation elongation factor, mitochondrial; minus strand). Cytogenetic location: 16p11.2.
Variant type: single nucleotide variant.
Coding change: c.1337C>A on transcript NM_003321.5 (MANE Select); coding-DNA position 1337, C replaced by A.
Protein change: p.Thr446Asn; replaces threonine 446 with asparagine.
Molecular consequence: missense variant.
Genome position (GRCh38, 1-based): chr16:28,843,006, G>T on the plus strand (C>A on the coding strand, the complement: TUFM is on the minus strand). VCF-style: chr16-28843006-G-T. GRCh37 (hg19) VCF-style: chr16-28854327-G-T.
Other names: c.1337C>A (NM_003321.4); c.1253C>A, p.Thr418Asn (NM_001365360.2); short protein forms T418N, T446N.
Identifiers: ClinVar variation 1383499 (VCV001383499.9), dbSNP rs1961840283, ClinGen allele CA395412781.